The following is an entry in ClinVar:

NM_000051.4(ATM):c.5476TTA[1] (p.Leu1827del)

Gene: ATM (ATM serine/threonine kinase; plus strand). Cytogenetic location: 11q22.3.
Variant type: Microsatellite.
Coding change: c.5476TTA[1] on transcript NM_000051.4 (MANE Select); one copy of the 3-base unit TTA starting at c.5476; the reference has two copies in a row; one copy, 3 bases deleted.
Protein change: p.Leu1827del; deletes leucine 1827.
Molecular consequence: inframe deletion.
Genome position (GRCh38, 1-based): chr11:108,303,012-108,303,014, TTA deleted; deleting any 3 consecutive bases within chr11:108,303,008-108,303,014 gives the same sequence; the position shown is the placement nearest the transcript's 3' end. VCF-style (leftmost placement, unchanged base first): chr11-108303007-AATT-A. GRCh37 (hg19) VCF-style: chr11-108173734-AATT-A.
Other names: c.5479_5481delTTA (NM_000051.3); c.5476TTA[1], p.Leu1827del (NM_001351834.2); short protein forms L1827del.
Identifiers: ClinVar variation 629299 (VCV000629299.5), dbSNP rs1591712957, ClinGen allele CA913188457.

ClinVar aggregate classification (germline): Uncertain significance. Review status: criteria provided, multiple submitters, no conflicts (2 of 4 stars). 3 submissions from 3 submitters: Uncertain significance (3). Last evaluated 2025-01-02.

Conditions:
ATM-related disorder. Also called: ATM-related disorders; ATM-related condition.
Hereditary cancer-predisposing syndrome. Also called: Neoplastic Syndromes, Hereditary; Tumor predisposition; Hereditary neoplastic syndrome; Hereditary Cancer Syndrome. Identifiers: Orphanet 140162, MedGen C0027672, MeSH D009386, MONDO:0015356.

Submissions (3):

PreventionGenetics, part of Exact Sciences
Classification: Uncertain significance for ATM-related condition. Last evaluated: 2025-01-02. Review status: criteria provided, single submitter. Criteria: ACMG Guidelines, 2015. Collection method: clinical testing. Allele origin: germline.
Comment: The ATM c.5479_5481delTTA variant is predicted to result in an in-frame deletion (p.Leu1827del). To our knowledge, this variant has not been reported in the literature or in a large population database (gnomAD), indicating this variant is rare. This variant is interpreted as uncertain in ClinVar. At this time, the clinical significance of this variant is uncertain due to the absence of conclusive functional and genetic evidence.

Ambry Genetics
Classification: Uncertain significance for Hereditary cancer-predisposing syndrome. Last evaluated: 2023-10-24. Review status: criteria provided, single submitter. Criteria: Ambry Variant Classification Scheme 2023. Collection method: clinical testing. Allele origin: germline.
Comment: The c.5479_5481delTTA variant (also known as p.L1827del) is located in coding exon 35 of the ATM gene. This variant results from an in-frame TTA deletion at nucleotide positions 5479 to 5481. This results in the in-frame deletion of a leucine at codon 1827. This amino acid position is well conserved in available vertebrate species. In addition, this alteration is predicted to be deleterious by in silico analysis (Choi Y et al. PLoS ONE. 2012; 7(10):e46688). Since supporting evidence is limited at this time, the clinical significance of this alteration remains unclear.

Color Diagnostics, LLC DBA Color Health
Classification: Uncertain significance for Hereditary cancer-predisposing syndrome. Last evaluated: 2019-04-04. Review status: criteria provided, single submitter. Criteria: ACMG Guidelines, 2015. Collection method: clinical testing. Allele origin: germline.